The following is an entry in ClinVar:

NM_015450.3(POT1):c.533del (p.Ser178fs)

Gene: POT1 (protection of telomeres 1; minus strand). Cytogenetic location: 7q31.33.
Variant type: Deletion.
Coding change: c.533del on transcript NM_015450.3 (MANE Select); coding-DNA position 533, one base deleted (C; older notation c.533delC).
Protein change: p.Ser178fs; shifts the reading frame from serine 178.
Molecular consequence: frameshift variant. On other transcripts: non-coding transcript variant (3).
Genome position (GRCh38, 1-based): chr7:124,863,363, G deleted on the plus strand (C on the coding strand, the reverse complement: POT1 is on the minus strand). VCF-style (leftmost placement, unchanged base first): chr7-124863362-TG-T. GRCh37 (hg19) VCF-style: chr7-124503416-TG-T.
Other names: c.140del, p.Ser47fs (NM_001042594.2); short protein forms S47fs, S178fs.
Identifiers: ClinVar variation 2723933 (VCV002723933.3), dbSNP rs2485479361, ClinGen allele CA2697557610.

ClinVar aggregate classification (germline): Pathogenic (1 of 4 stars; one submission).

Conditions:
Tumor predisposition syndrome 3 (TPDS3). Also called: Glioma susceptibility 9; Melanoma, cutaneous malignant, susceptibility to, 10; LONG TELOMERE SYNDROME, POT1-RELATED; POT1 Tumor Predisposition. Identifiers: Orphanet 618, MedGen C4014476, MONDO:0014368, OMIM 615848.

Submission:

Labcorp Genetics (formerly Invitae), Labcorp
Classification: Pathogenic for Tumor predisposition syndrome 3. Last evaluated: 2023-06-22. Review status: criteria provided, single submitter. Criteria: Invitae Variant Classification Sherloc (09022015). Collection method: clinical testing. Allele origin: germline.
Comment: This sequence change creates a premature translational stop signal (p.Ser178Tyrfs*4) in the POT1 gene. It is expected to result in an absent or disrupted protein product. Loss-of-function variants in POT1 are known to be pathogenic (PMID: 32155570). This variant is not present in population databases (gnomAD no frequency). This variant has not been reported in the literature in individuals affected with POT1-related conditions. For these reasons, this variant has been classified as Pathogenic.

Literature cited by the submitters: PubMed 32155570.